The following is an entry in ClinVar:

NM_001286.5(CLCN6):c.2302A>G (p.Ser768Gly)

Gene: CLCN6 (chloride voltage-gated channel 6; plus strand). Cytogenetic location: 1p36.22.
Variant type: single nucleotide variant.
Coding change: c.2302A>G on transcript NM_001286.5 (MANE Select); coding-DNA position 2302, A replaced by G.
Protein change: p.Ser768Gly; replaces serine 768 with glycine.
Molecular consequence: missense variant. On other transcripts: non-coding transcript variant (1).
Genome position (GRCh38, 1-based): chr1:11,838,341, A>G. VCF-style: chr1-11838341-A-G. GRCh37 (hg19) VCF-style: chr1-11898398-A-G.
Other names: c.2236A>G, p.Ser746Gly (NM_001256959.2); short protein forms S746G, S768G.
Identifiers: ClinVar variation 1521502 (VCV001521502.8), dbSNP rs570949298, ClinGen allele CA596797.
Genomic context (GRCh38, chr1:11,838,341, plus strand): 5'-ACCCTGCTGGCCACTGCTGCCTGAGCACGGACAGTGTCTGGGTTGGAATTGCAGAGCGCC[A>G]GCCAGCCGCGCCTCTCCTATGCCGAGATGGCCGAGGACTACCCGCGGTACCCCGACATCC-3'
Protein context (NP_001277.2, residues 758-778): VCYSESQSSA[Ser768Gly]QPRLSYAEMA

ClinVar aggregate classification (germline): Uncertain significance (1 of 4 stars; one submission).

Allele frequency attached by ClinVar (database versions not stated): gnomAD exomes below 0.00001 and 0.00001; ExAC 0.00001; gnomAD 0.00001; TOPMed 0.00001; 1000 Genomes Project 30x 0.00016; 1000 Genomes Project 0.00020.
gnomAD v4.1: 2 of 1,613,662 alleles (0.00012%); highest among the groups gnomAD compares: Admixed American, 0.0017%; no homozygotes.

Submission:

Labcorp Genetics (formerly Invitae), Labcorp
Classification: Uncertain significance. Last evaluated: 2025-10-06. Review status: criteria provided, single submitter. Criteria: Invitae Variant Classification Sherloc (09022015). Collection method: clinical testing. Allele origin: germline.
Comment: This sequence change replaces serine, which is neutral and polar, with glycine, which is neutral and non-polar, at codon 768 of the CLCN6 protein (p.Ser768Gly). This variant is present in population databases (rs570949298, gnomAD 0.007%). This variant has not been reported in the literature in individuals affected with CLCN6-related conditions. ClinVar contains an entry for this variant (Variation ID: 1521502). An algorithm developed to predict the effect of missense changes on protein structure and function (PolyPhen-2) suggests that this variant is likely to be tolerated. In summary, the available evidence is currently insufficient to determine the role of this variant in disease. Therefore, it has been classified as a Variant of Uncertain Significance.